The following is an entry in ClinVar:

ClinVar aggregate classification (germline): Uncertain significance (1 of 4 stars; one submission).

gnomAD v4.1: 11 of 1,612,902 alleles (0.00068%); highest among the groups gnomAD compares: Non-Finnish European, 0.00093%; no homozygotes.

Submission:

Labcorp Genetics (formerly Invitae), Labcorp
Classification: Uncertain significance. Last evaluated: 2024-12-02. Review status: criteria provided, single submitter. Criteria: Invitae Variant Classification Sherloc (09022015). Collection method: clinical testing. Allele origin: germline.
Comment: This sequence change replaces arginine, which is basic and polar, with glycine, which is neutral and non-polar, at codon 73 of the CFAP410 protein (p.Arg73Gly). This variant is present in population databases (rs377552361, gnomAD 0.0009%). This variant has not been reported in the literature in individuals affected with CFAP410-related conditions. ClinVar contains an entry for this variant (Variation ID: 1905944). Invitae Evidence Modeling of protein sequence and biophysical properties (such as structural, functional, and spatial information, amino acid conservation, physicochemical variation, residue mobility, and thermodynamic stability) indicates that this missense variant is not expected to disrupt CFAP410 protein function with a negative predictive value of 80%. This variant disrupts the p.Arg73 amino acid residue in CFAP410. Other variant(s) that disrupt this residue have been determined to be pathogenic (PMID: 26167768, 27596865). This suggests that this residue is clinically significant, and that variants that disrupt this residue are likely to be disease-causing. In summary, the available evidence is currently insufficient to determine the role of this variant in disease. Therefore, it has been classified as a Variant of Uncertain Significance.

Literature cited by the submitters: PubMed 26167768; PubMed 27596865.

NM_004928.3(CFAP410):c.217C>G (p.Arg73Gly)

Gene: CFAP410 (cilia and flagella associated protein 410; minus strand). Cytogenetic location: 21q22.3.
Variant type: single nucleotide variant.
Coding change: c.217C>G on transcript NM_004928.3 (MANE Select); coding-DNA position 217, C replaced by G.
Protein change: p.Arg73Gly; replaces arginine 73 with glycine.
Molecular consequence: missense variant.
Genome position (GRCh38, 1-based): chr21:44,333,189, G>C on the plus strand (C>G on the coding strand, the complement: CFAP410 is on the minus strand). VCF-style: chr21-44333189-G-C. GRCh37 (hg19) VCF-style: chr21-45753072-G-C.
Other names: c.217C>G, p.Arg73Gly (NM_001271440.2, NM_001271441.2); c.94C>G, p.Arg32Gly (NM_001271442.1); short protein forms R73G, R32G.
Identifiers: ClinVar variation 1905944 (VCV001905944.5), dbSNP rs377552361, ClinGen allele CA10053761.